The following is an entry in ClinVar:

ClinVar aggregate classification (germline): Uncertain significance (1 of 4 stars; one submission).

Conditions:
Emery-Dreifuss muscular dystrophy 4, autosomal dominant (EDMD4). Also called: EMERY-DREIFUSS MUSCULAR DYSTROPHY 4 WITH VARIABLE FEATURES. Identifiers: Orphanet 261, MedGen C2751807, MONDO:0013071, OMIM 612998.
Autosomal recessive ataxia, Beauce type. Also called: SYNE1-Related Autosomal Recessive Cerebellar Ataxia; Spinocerebellar ataxia, autosomal recessive 8; ATAXIA, RECESSIVE, OF BEAUCE; SYNE1 Deficiency. Identifiers: Orphanet 88644, MedGen C1853116, MONDO:0012549, OMIM 610743.

Allele frequency attached by ClinVar (database versions not stated): gnomAD exomes below 0.00001; ExAC 0.00001; gnomAD 0.00001.
gnomAD v4.1: 3 of 1,613,950 alleles (0.00019%); highest among the groups gnomAD compares: East Asian, 0.0022%; no homozygotes.

Submission:

Labcorp Genetics (formerly Invitae), Labcorp
Classification: Uncertain significance for Emery-Dreifuss muscular dystrophy 4, autosomal dominant; Autosomal recessive ataxia, Beauce type. Last evaluated: 2025-12-01. Review status: criteria provided, single submitter. Criteria: Invitae Variant Classification Sherloc (09022015). Collection method: clinical testing. Allele origin: germline.
Comment: This sequence change replaces alanine, which is neutral and non-polar, with serine, which is neutral and polar, at codon 1982 of the SYNE1 protein (p.Ala1982Ser). This variant is not present in population databases (gnomAD no frequency). This variant has not been reported in the literature in individuals affected with SYNE1-related conditions. ClinVar contains an entry for this variant (Variation ID: 1393266). An algorithm developed to predict the effect of missense changes on protein structure and function (PolyPhen-2) suggests that this variant is likely to be tolerated. In summary, the available evidence is currently insufficient to determine the role of this variant in disease. Therefore, it has been classified as a Variant of Uncertain Significance.

NM_182961.4(SYNE1):c.5923G>T (p.Ala1975Ser)

Gene: SYNE1 (spectrin repeat containing nuclear envelope protein 1; minus strand). Cytogenetic location: 6q25.2.
Variant type: single nucleotide variant.
Coding change: c.5923G>T on transcript NM_182961.4 (MANE Select); coding-DNA position 5923, G replaced by T.
Protein change: p.Ala1975Ser; replaces alanine 1975 with serine.
Molecular consequence: missense variant.
Genome position (GRCh38, 1-based): chr6:152,416,514, C>A on the plus strand (G>T on the coding strand, the complement: SYNE1 is on the minus strand). VCF-style: chr6-152416514-C-A. GRCh37 (hg19) VCF-style: chr6-152737649-C-A.
Other names: c.5944G>T, p.Ala1982Ser (NM_033071.5); short protein forms A1975S, A1982S.
Identifiers: ClinVar variation 1393266 (VCV001393266.6), dbSNP rs750263410, ClinGen allele CA4058201.